The following is an entry in ClinVar:

ClinVar aggregate classification (germline): Pathogenic (1 of 4 stars; one submission).

Conditions:
Hereditary cancer-predisposing syndrome. Also called: Neoplastic Syndromes, Hereditary; Hereditary Cancer Syndrome; Hereditary neoplastic syndrome; Tumor predisposition. Identifiers: Orphanet 140162, MedGen C0027672, MeSH D009386, MONDO:0015356.

Submission:

Ambry Genetics
Classification: Pathogenic for Hereditary cancer-predisposing syndrome. Last evaluated: 2023-05-17. Review status: criteria provided, single submitter. Criteria: Ambry Variant Classification Scheme 2023. Collection method: clinical testing. Allele origin: germline.
Comment: The c.1039delC pathogenic mutation, located in coding exon 7 of the BRIP1 gene, results from a deletion of one nucleotide at nucleotide position 1039, causing a translational frameshift with a predicted alternate stop codon (p.L347*). This variant is considered to be rare based on population cohorts in the Genome Aggregation Database (gnomAD). This alteration is expected to result in loss of function by premature protein truncation or nonsense-mediated mRNA decay. As such, this alteration is interpreted as a disease-causing mutation.

NM_032043.3(BRIP1):c.1039del (p.Lys346_Leu347insTer)

Gene: BRIP1 (BRCA1 interacting DNA helicase 1; minus strand). Cytogenetic location: 17q23.2.
Variant type: Deletion.
Coding change: c.1039del on transcript NM_032043.3 (MANE Select); coding-DNA position 1039, one base deleted (C; older notation c.1039delC).
Protein change: p.Lys346_Leu347insTer.
Molecular consequence: nonsense.
Genome position (GRCh38, 1-based): chr17:61,801,354, G deleted on the plus strand (C on the coding strand, the reverse complement: BRIP1 is on the minus strand). VCF-style (leftmost placement, unchanged base first): chr17-61801353-AG-A. GRCh37 (hg19) VCF-style: chr17-59878714-AG-A.
Identifiers: ClinVar variation 2564597 (VCV002564597.2), dbSNP rs2545154009, ClinGen allele CA2580613191.